The following is an entry in ClinVar:

NM_000080.4(CHRNE):c.1158dup (p.Lys387fs)

Genes: CHRNE (cholinergic receptor nicotinic epsilon subunit; minus strand), LOC130060040 (ATAC-STARR-seq lymphoblastoid silent region 8049; plus strand). Cytogenetic location: 17p13.2.
Variant type: Duplication.
Coding change: c.1158dup on transcript NM_000080.4 (MANE Select); coding-DNA position 1158, one base duplicated (G; older notation c.1158dupG).
Protein change: p.Lys387fs; shifts the reading frame from lysine 387.
Molecular consequence: frameshift variant.
Genome position (GRCh38, 1-based): chr17:4,899,259, C duplicated on the plus strand (G on the coding strand, the reverse complement: CHRNE is on the minus strand). VCF-style (leftmost placement, unchanged base first): chr17-4899258-T-TC. GRCh37 (hg19) VCF-style: chr17-4802553-T-TC.
Other names: short protein forms K387fs.
Identifiers: ClinVar variation 1071548 (VCV001071548.11), dbSNP rs2151094540, ClinGen allele CA2499224691.

ClinVar aggregate classification (germline): Pathogenic. Review status: criteria provided, multiple submitters, no conflicts (2 of 4 stars). 3 submissions from 3 submitters: Pathogenic (3). Last evaluated 2024-03-20.

Conditions:
Congenital myasthenic syndrome 4A. Also called: Myasthenic syndrome, congenital, 4a, slow-channel; MYASTHENIC SYNDROME, CONGENITAL, 4A, SLOW-CHANNEL, AUTOSOMAL RECESSIVE; CONGENITAL MYASTHENIC SYNDROME TYPE Ia1. Identifiers: Orphanet 590, MedGen C4225413, MONDO:0011600, OMIM 605809.

Submissions (3):

Labcorp Genetics (formerly Invitae), Labcorp
Classification: Pathogenic for Congenital myasthenic syndrome 4A. Last evaluated: 2024-03-20. Review status: criteria provided, single submitter. Criteria: Invitae Variant Classification Sherloc (09022015). Collection method: clinical testing. Allele origin: germline.
Comment: This sequence change creates a premature translational stop signal (p.Lys387Glufs*10) in the CHRNE gene. It is expected to result in an absent or disrupted protein product. Loss-of-function variants in CHRNE are known to be pathogenic (PMID: 22678886). This variant is not present in population databases (gnomAD no frequency). This premature translational stop signal has been observed in individual(s) with congenital myasthenic syndrome (PMID: 14532324). This variant is also known as c.1098insG. ClinVar contains an entry for this variant (Variation ID: 1071548). For these reasons, this variant has been classified as Pathogenic.

GeneDx
Classification: Pathogenic. Last evaluated: 2023-12-11. Review status: criteria provided, single submitter. Criteria: GeneDx Variant Classification Process June 2021. Collection method: clinical testing. Allele origin: germline. Affected: yes.
Comment: Not observed at significant frequency in large population cohorts (gnomAD); Frameshift variant predicted to result in protein truncation or nonsense mediated decay in a gene for which loss of function is a known mechanism of disease; This variant is associated with the following publications: (PMID: 14532324)

Baylor Genetics
Classification: Pathogenic for Congenital myasthenic syndrome 4A. Last evaluated: 2023-08-23. Review status: criteria provided, single submitter. Criteria: ACMG Guidelines, 2015. Collection method: clinical testing. Allele origin: unknown.

Literature cited by the submitters: PubMed 22678886 (cited by Labcorp Genetics (formerly Invitae), Labcorp); PubMed 14532324 (cited by Labcorp Genetics (formerly Invitae), Labcorp).